The following is an entry in ClinVar:

NM_001103.4(ACTN2):c.820G>C (p.Ala274Pro)

Gene: ACTN2 (actinin alpha 2; plus strand). Cytogenetic location: 1q43.
Variant type: single nucleotide variant.
Coding change: c.820G>C on transcript NM_001103.4 (MANE Select); coding-DNA position 820, G replaced by C.
Protein change: p.Ala274Pro; replaces alanine 274 with proline.
Molecular consequence: missense variant. On other transcripts: non-coding transcript variant (1).
Genome position (GRCh38, 1-based): chr1:236,737,158, G>C. VCF-style: chr1-236737158-G-C. GRCh37 (hg19) VCF-style: chr1-236900458-G-C.
Other names: c.820G>C, p.Ala274Pro (NM_001278343.2); c.196G>C, p.Ala66Pro (NM_001278344.2); c.70G>C, p.Ala24Pro (NM_001412150.1); short protein forms A24P, A274P, A66P.
Identifiers: ClinVar variation 2640111 (VCV002640111.24), dbSNP rs2527591952, ClinGen allele CA345378879.
Genomic context (GRCh38, chr1:236,737,158, plus strand): 5'-CTGTTTACCTATTGTGTTTTACAGGCCGAGACAGCGGCTAACAGGATATGTAAGGTTCTT[G>C]CTGTGAATCAAGAGAATGAGAGGCTGATGGAAGAATATGAGAGGCTAGCGAGTGAGGTAA-3'
Protein context (NP_001094.1, residues 264-284): TAANRICKVL[Ala274Pro]VNQENERLME

ClinVar aggregate classification (germline): Uncertain significance (1 of 4 stars; one submission).

Submission:

CeGaT Center for Human Genetics Tuebingen
Classification: Uncertain significance. Last evaluated: 2022-09-01. Review status: criteria provided, single submitter. Criteria: CeGaT Center For Human Genetics Tuebingen Variant Classification Criteria Version 2. Collection method: clinical testing. Allele origin: germline. Affected: yes. Observed: 1 variant allele.
Comment: ACTN2: PM2, PS2:Supporting